The following is an entry in ClinVar:

NM_152328.5(ADSS1):c.761del (p.Gly254fs)

Gene: ADSS1 (adenylosuccinate synthase 1; plus strand). Cytogenetic location: 14q32.33.
Variant type: Deletion.
Coding change: c.761del on transcript NM_152328.5 (MANE Select); coding-DNA position 761, one base deleted (G; older notation c.761delG).
Protein change: p.Gly254fs; shifts the reading frame from glycine 254.
Molecular consequence: frameshift variant.
Genome position (GRCh38, 1-based): chr14:104,741,211, G deleted; the last of 3 consecutive G bases (chr14:104,741,209-104,741,211); deleting any one gives the same sequence. VCF-style (leftmost placement, unchanged base first): chr14-104741208-AG-A. GRCh37 (hg19) VCF-style: chr14-105207545-AG-A.
Other names: c.146del, p.Gly49fs (NM_001320424.1); c.890del, p.Gly297fs (NM_199165.2); short protein forms G254fs, G297fs, G49fs.
Identifiers: ClinVar variation 2892708 (VCV002892708.3), dbSNP rs1891337397, ClinGen allele CA966919472.

ClinVar aggregate classification (germline): Pathogenic (1 of 4 stars; one submission).

Submission:

Labcorp Genetics (formerly Invitae), Labcorp
Classification: Pathogenic. Last evaluated: 2025-04-04. Review status: criteria provided, single submitter. Criteria: Invitae Variant Classification Sherloc (09022015). Collection method: clinical testing. Allele origin: germline.
Comment: This sequence change creates a premature translational stop signal (p.Gly297Valfs*17) in the ADSSL1 gene. It is expected to result in an absent or disrupted protein product. Loss-of-function variants in ADSSL1 are known to be pathogenic (PMID: 26506222). This variant is not present in population databases (gnomAD no frequency). This variant has not been reported in the literature in individuals affected with ADSSL1-related conditions. ClinVar contains an entry for this variant (Variation ID: 2892708). For these reasons, this variant has been classified as Pathogenic.

Literature cited by the submitters: PubMed 26506222.